The following is an entry in ClinVar:

ClinVar aggregate classification (germline): Likely benign (1 of 4 stars; one submission).

Submission:

CeGaT Center for Human Genetics Tuebingen
Classification: Likely benign. Last evaluated: 2025-02-01. Review status: criteria provided, single submitter. Criteria: CeGaT Center For Human Genetics Tuebingen Variant Classification Criteria Version 2. Collection method: clinical testing. Allele origin: germline. Affected: yes. Observed: 2 variant alleles.
Comment: MYH11: PM2:Supporting, BP4, BP7

NM_002474.3(MYH11):c.213T>G (p.Val71=)

Gene: MYH11 (myosin heavy chain 11; minus strand). Cytogenetic location: 16p13.11.
Variant type: single nucleotide variant.
Coding change: c.213T>G on transcript NM_002474.3 (MANE Select); coding-DNA position 213, T replaced by G.
Protein change: p.Val71=; no amino-acid change (valine 71 retained).
Molecular consequence: synonymous variant.
Genome position (GRCh38, 1-based): chr16:15,838,040, A>C on the plus strand (T>G on the coding strand, the complement: MYH11 is on the minus strand). VCF-style: chr16-15838040-A-C. GRCh37 (hg19) VCF-style: chr16-15931897-A-C.
Other names: c.213T>G, p.Val71= (NM_022844.3, NM_001040113.2, NM_001040114.2).
Identifiers: ClinVar variation 1879335 (VCV001879335.29), dbSNP rs2507036894, ClinGen allele CA494102558.